The following is an entry in ClinVar:

NM_001101426.4(CRPPA):c.277A>G (p.Ile93Val)

Gene: CRPPA (CDP-L-ribitol pyrophosphorylase A; minus strand). Cytogenetic location: 7p21.2.
Variant type: single nucleotide variant.
Coding change: c.277A>G on transcript NM_001101426.4 (MANE Select); coding-DNA position 277, A replaced by G.
Protein change: p.Ile93Val; replaces isoleucine 93 with valine.
Molecular consequence: missense variant. On other transcripts: non-coding transcript variant (1).
Genome position (GRCh38, 1-based): chr7:16,406,318, T>C on the plus strand (A>G on the coding strand, the complement: CRPPA is on the minus strand). VCF-style: chr7-16406318-T-C. GRCh37 (hg19) VCF-style: chr7-16445943-T-C.
Other names: c.277A>G, p.Ile93Val (NM_001101417.4, NM_001368197.1); short protein forms I93V.
Identifiers: ClinVar variation 447580 (VCV000447580.16), dbSNP rs762370550, ClinGen allele CA4169640.

ClinVar aggregate classification (germline): Uncertain significance. Review status: criteria provided, multiple submitters, no conflicts (2 of 4 stars). 5 submissions from 5 submitters: Uncertain significance (5). Last evaluated 2024-12-07.

Conditions:
Muscular dystrophy-dystroglycanopathy (congenital with brain and eye anomalies), type A, 7. Also called: WALKER-WARBURG SYNDROME OR MUSCLE-EYE-BRAIN DISEASE, ISPD-RELATED; Congenital muscular dystrophy-dystroglycanopathy with brain and eye anomalies, type A7. Identifiers: Orphanet 899, MedGen C3553330, MONDO:0013835, OMIM 614643.
Autosomal recessive limb-girdle muscular dystrophy type 2U. Also called: MUSCULAR DYSTROPHY, LIMB-GIRDLE, TYPE 2U; Muscular dystrophy-dystroglycanopathy (limb-girdle), type c, 7. Identifiers: Orphanet 352479, MedGen C5190987, MONDO:0014474, OMIM 616052.

Allele frequency attached by ClinVar (database versions not stated): gnomAD exomes below 0.00001 and 0.00002; ExAC 0.00003; gnomAD 0.00007 and 0.00009; TOPMed 0.00010.
gnomAD v4.1: 16 of 1,613,550 alleles (0.00099%); highest among the groups gnomAD compares: African/African-American, 0.02%; no homozygotes.

Submissions (5):

Ambry Genetics
Classification: Uncertain significance. Last evaluated: 2024-12-07. Review status: criteria provided, single submitter. Criteria: Ambry Variant Classification Scheme 2023. Collection method: clinical testing. Allele origin: germline.

Labcorp Genetics (formerly Invitae), Labcorp
Classification: Uncertain significance for Muscular dystrophy-dystroglycanopathy (congenital with brain and eye anomalies), type A, 7; Autosomal recessive limb-girdle muscular dystrophy type 2U. Last evaluated: 2022-07-26. Review status: criteria provided, single submitter. Criteria: Invitae Variant Classification Sherloc (09022015). Collection method: clinical testing. Allele origin: germline.
Comment: This sequence change replaces isoleucine, which is neutral and non-polar, with valine, which is neutral and non-polar, at codon 93 of the ISPD protein (p.Ile93Val). This variant is present in population databases (rs762370550, gnomAD 0.02%). This variant has not been reported in the literature in individuals affected with ISPD-related conditions. ClinVar contains an entry for this variant (Variation ID: 447580). Algorithms developed to predict the effect of missense changes on protein structure and function (SIFT, PolyPhen-2, Align-GVGD) all suggest that this variant is likely to be tolerated. In summary, the available evidence is currently insufficient to determine the role of this variant in disease. Therefore, it has been classified as a Variant of Uncertain Significance.

Revvity Omics, Revvity
Classification: Uncertain significance. Last evaluated: 2019-06-27. Review status: criteria provided, single submitter. Criteria: ACMG Guidelines, 2015. Collection method: clinical testing. Allele origin: germline.

Eurofins Ntd Llc (ga)
Classification: Uncertain significance. Last evaluated: 2017-02-27. Review status: criteria provided, single submitter. Criteria: EGL Classification Definitions 2015. Collection method: clinical testing. Allele origin: germline. Observed: 1 variant allele, 1 heterozygote.

Athena Diagnostics
Classification: Uncertain significance. Last evaluated: 2016-11-17. Review status: criteria provided, single submitter. Criteria: Athena Diagnostics Criteria. Collection method: clinical testing. Allele origin: germline.